The following is an entry in ClinVar:

ClinVar aggregate classification (germline): Conflicting classifications of pathogenicity. Review status: criteria provided, conflicting classifications (1 of 4 stars). 7 submissions from 7 submitters: Uncertain significance (5); Likely benign (1). 1 of the submissions does not count toward it. Last evaluated 2026-04-07.

Conditions:
Hereditary cancer-predisposing syndrome. Also called: Neoplastic Syndromes, Hereditary; Tumor predisposition; Hereditary neoplastic syndrome; Hereditary Cancer Syndrome. Identifiers: Orphanet 140162, MedGen C0027672, MeSH D009386, MONDO:0015356.
Fumarase deficiency (FMRD). Also called: Fumaric aciduria; Fumarate Hydratase Deficiency. Identifiers: Orphanet 24, MedGen C0342770, MONDO:0011730, OMIM 606812.

Allele frequency attached by ClinVar (database versions not stated): gnomAD exomes below 0.00001.

Submissions (7):

Ambry Genetics
Classification: Likely benign for Hereditary cancer-predisposing syndrome. Last evaluated: 2026-04-07. Review status: criteria provided, single submitter. Criteria: Ambry Variant Classification Scheme 2023. Collection method: clinical testing. Allele origin: germline.

Labcorp Genetics (formerly Invitae), Labcorp
Classification: Uncertain significance. Last evaluated: 2025-10-23. Review status: criteria provided, single submitter. Criteria: Invitae Variant Classification Sherloc (09022015). Collection method: clinical testing. Allele origin: germline.
Comment: This sequence change replaces aspartic acid, which is acidic and polar, with asparagine, which is neutral and polar, at codon 179 of the FH protein (p.Asp179Asn). This variant is not present in population databases (gnomAD no frequency). This variant has not been reported in the literature in individuals affected with FH-related conditions. ClinVar contains an entry for this variant (Variation ID: 460363). Invitae Evidence Modeling of protein sequence and biophysical properties (such as structural, functional, and spatial information, amino acid conservation, physicochemical variation, residue mobility, and thermodynamic stability) indicates that this missense variant is expected to disrupt FH protein function with a positive predictive value of 95%. In summary, the available evidence is currently insufficient to determine the role of this variant in disease. Therefore, it has been classified as a Variant of Uncertain Significance.

Quest Diagnostics Nichols Institute San Juan Capistrano
Classification: Uncertain significance. Last evaluated: 2025-10-14. Review status: criteria provided, single submitter. Criteria: Quest Diagnostics criteria. Collection method: clinical testing. Allele origin: unknown.
Comment: The FH c.535G>A (p.Asp179Asn) variant has not been reported in individuals with FH-related conditions in the published literature. This variant has not been reported in large, multi-ethnic general populations (Genome Aggregation Database). Analysis of this variant using bioinformatics tools for the prediction of the effect of amino acid changes on protein structure and function yielded predictions that this variant is damaging. Based on the available information, we are unable to determine the clinical significance of this variant.

GeneDx
Classification: Uncertain significance. Last evaluated: 2024-02-25. Review status: criteria provided, single submitter. Criteria: GeneDx Variant Classification Process June 2021. Collection method: clinical testing. Allele origin: germline.
Comment: Not observed at significant frequency in large population cohorts (gnomAD); In silico analysis supports that this missense variant has a deleterious effect on protein structure/function; Has not been previously published as pathogenic or benign to our knowledge; This variant is associated with the following publications: (PMID: 33553733)

Blueprint Genetics
Classification: Uncertain significance. Last evaluated: 2023-11-10. Review status: criteria provided, single submitter. Criteria: ACMG Guidelines, 2015. Collection method: clinical testing. Allele origin: germline.

Revvity Omics, Revvity
Classification: Uncertain significance. Last evaluated: 2021-08-20. Review status: criteria provided, single submitter. Criteria: ACMG Guidelines, 2015. Collection method: clinical testing. Allele origin: germline.

Natera, Inc.
Classification: Uncertain significance for Fumarase Deficiency. Last evaluated: 2020-07-17. Review status: no assertion criteria provided. Collection method: clinical testing. Allele origin: germline. Not counted in ClinVar's aggregate classification.

NM_000143.4(FH):c.535G>A (p.Asp179Asn)

Gene: FH (fumarate hydratase; minus strand). Cytogenetic location: 1q43.
Variant type: single nucleotide variant.
Coding change: c.535G>A on transcript NM_000143.4 (MANE Select); coding-DNA position 535, G replaced by A.
Protein change: p.Asp179Asn; replaces aspartic acid 179 with asparagine.
Molecular consequence: missense variant.
Genome position (GRCh38, 1-based): chr1:241,511,987, C>T on the plus strand (G>A on the coding strand, the complement: FH is on the minus strand). VCF-style: chr1-241511987-C-T. GRCh37 (hg19) VCF-style: chr1-241675287-C-T.
Other names: short protein forms D179N.
Identifiers: ClinVar variation 460363 (VCV000460363.24), dbSNP rs1553341588, ClinGen allele CA345439887.